The following is an entry in ClinVar:

ClinVar aggregate classification (germline): Uncertain significance (1 of 4 stars; one submission).

gnomAD v4.1: 5 of 1,613,984 alleles (0.00031%); highest among the groups gnomAD compares: South Asian, 0.0033%; no homozygotes.

Submission:

Labcorp Genetics (formerly Invitae), Labcorp
Classification: Uncertain significance. Last evaluated: 2024-12-13. Review status: criteria provided, single submitter. Criteria: Invitae Variant Classification Sherloc (09022015). Collection method: clinical testing. Allele origin: germline.
Comment: This sequence change replaces threonine, which is neutral and polar, with asparagine, which is neutral and polar, at codon 750 of the DSG1 protein (p.Thr750Asn). This variant is not present in population databases (gnomAD no frequency). This variant has not been reported in the literature in individuals affected with DSG1-related conditions. Invitae Evidence Modeling of protein sequence and biophysical properties (such as structural, functional, and spatial information, amino acid conservation, physicochemical variation, residue mobility, and thermodynamic stability) indicates that this missense variant is not expected to disrupt DSG1 protein function with a negative predictive value of 80%. In summary, the available evidence is currently insufficient to determine the role of this variant in disease. Therefore, it has been classified as a Variant of Uncertain Significance.

NM_001942.4(DSG1):c.2249C>A (p.Thr750Asn)

Genes: DSG1 (desmoglein 1; plus strand), DSG1-AS1 (DSG1 antisense RNA 1; minus strand), LOC126862720 (MED14-independent group 3 enhancer GRCh37_chr18:28933613-28934812; plus strand). Cytogenetic location: 18q12.1.
Variant type: single nucleotide variant.
Coding change: c.2249C>A on transcript NM_001942.4 (MANE Select); coding-DNA position 2249, C replaced by A.
Protein change: p.Thr750Asn; replaces threonine 750 with asparagine.
Molecular consequence: missense variant. On other transcripts: non-coding transcript variant (1).
Genome position (GRCh38, 1-based): chr18:31,354,445, C>A. VCF-style: chr18-31354445-C-A. GRCh37 (hg19) VCF-style: chr18-28934408-C-A.
Other names: short protein forms T750N.
Identifiers: ClinVar variation 3688292 (VCV003688292.2).